The following is an entry in ClinVar:

NM_001371623.1(TCOF1):c.2877G>T (p.Leu959=)

Gene: TCOF1 (treacle ribosome biogenesis factor 1; plus strand). Cytogenetic location: 5q32.
Variant type: single nucleotide variant.
Coding change: c.2877G>T on transcript NM_001371623.1 (MANE Select); coding-DNA position 2877, G replaced by T.
Protein change: p.Leu959=; no amino-acid change (leucine 959 retained).
Molecular consequence: synonymous variant.
Genome position (GRCh38, 1-based): chr5:150,387,919, G>T. VCF-style: chr5-150387919-G-T. GRCh37 (hg19) VCF-style: chr5-149767482-G-T.
Other names: c.2646G>T, p.Leu882= (NM_000356.4, NM_001135245.2); c.2877G>T, p.Leu959= (NM_001135243.2, NM_001135244.2, NM_001195141.2); c.2757G>T, p.Leu919= (NM_001437406.1).
Identifiers: ClinVar variation 5020461 (VCV005020461.1).

ClinVar aggregate classification (germline): Uncertain significance (1 of 4 stars; one submission).

Submission:

Dasa
Classification: Uncertain significance. Last evaluated: 2026-05-29. Review status: criteria provided, single submitter. Criteria: DASA Assertion Criteria. Collection method: clinical testing. Allele origin: germline.
Comment: NM_001371623.1(TCOF1):c.2877G>T (p.Leu959=) is a synonymous variant predicted not to alter the encoded amino acid sequence. This variant is rare in population databases. Computational prediction algorithms are consistent with a deleterious effect. The currently available literature and clinical evidence are not sufficient to establish a definitive association between this variant and the reported condition. Therefore, this variant is classified as a variant of uncertain significance.